The following is an entry in ClinVar:

ClinVar aggregate classification (germline): Uncertain significance (1 of 4 stars; one submission).

Conditions:
Charcot-Marie-Tooth disease type 2. Also called: Charcot-Marie-Tooth type 2. Identifiers: Orphanet 64746, MedGen C0270914, MONDO:0018993.

Submission:

Labcorp Genetics (formerly Invitae), Labcorp
Classification: Uncertain significance for Charcot-Marie-Tooth disease type 2. Last evaluated: 2022-11-03. Review status: criteria provided, single submitter. Criteria: Invitae Variant Classification Sherloc (09022015). Collection method: clinical testing. Allele origin: germline.
Comment: In summary, the available evidence is currently insufficient to determine the role of this variant in disease. Therefore, it has been classified as a Variant of Uncertain Significance. Advanced modeling of protein sequence and biophysical properties (such as structural, functional, and spatial information, amino acid conservation, physicochemical variation, residue mobility, and thermodynamic stability) performed at Invitae indicates that this missense variant is expected to disrupt LMNA protein function. This variant has not been reported in the literature in individuals affected with LMNA-related conditions. This variant is not present in population databases (gnomAD no frequency). This sequence change replaces isoleucine, which is neutral and non-polar, with valine, which is neutral and non-polar, at codon 26 of the LMNA protein (p.Ile26Val).

NM_170707.4(LMNA):c.76A>G (p.Ile26Val)

Genes: LMNA (lamin A/C; plus strand), LOC129931597 (ATAC-STARR-seq lymphoblastoid silent region 1421; plus strand). Cytogenetic location: 1q22.
Variant type: single nucleotide variant.
Coding change: c.76A>G on transcript NM_170707.4 (MANE Select); coding-DNA position 76, A replaced by G.
Protein change: p.Ile26Val; replaces isoleucine 26 with valine.
Molecular consequence: missense variant.
Genome position (GRCh38, 1-based): chr1:156,114,994, A>G. VCF-style: chr1-156114994-A-G. GRCh37 (hg19) VCF-style: chr1-156084785-A-G.
Other names: c.76A>G, p.Ile26Val (NM_001282625.2, NM_001282626.2, NM_001406983.1 and 6 more transcripts); c.-348A>G (NM_001406986.1); c.-326A>G (NM_001406990.1, NM_001406995.1, NM_001407002.1); c.-589A>G (NM_001406994.1, NM_001407000.1); c.-769A>G (NM_001406999.1); c.-432A>G (NM_001407001.1); short protein forms I26V.
Identifiers: ClinVar variation 1720742 (VCV001720742.6), dbSNP rs1302425397, ClinGen allele CA342807270.